The following is an entry in ClinVar:

NM_003890.3(FCGBP):c.11478C>T (p.Pro3826=)

Gene: FCGBP (Fc gamma binding protein; minus strand). Cytogenetic location: 19q13.2.
Variant type: single nucleotide variant.
Coding change: c.11478C>T on transcript NM_003890.3 (MANE Select); coding-DNA position 11478, C replaced by T.
Protein change: p.Pro3826=; no amino-acid change (proline 3826 retained).
Molecular consequence: synonymous variant.
Genome position (GRCh38, 1-based): chr19:39,886,304, G>A on the plus strand (C>T on the coding strand, the complement: FCGBP is on the minus strand). VCF-style: chr19-39886304-G-A. GRCh37 (hg19) VCF-style: chr19-40376944-G-A.
Identifiers: ClinVar variation 2649846 (VCV002649846.24), dbSNP rs551590378, ClinGen allele CA308313785.

ClinVar aggregate classification (germline): Likely benign (1 of 4 stars; one submission).

Allele frequency attached by ClinVar (database versions not stated): ExAC 0.00010; 1000 Genomes Project 0.00060.

Submission:

CeGaT Center for Human Genetics Tuebingen
Classification: Likely benign. Last evaluated: 2023-07-01. Review status: criteria provided, single submitter. Criteria: CeGaT Center For Human Genetics Tuebingen Variant Classification Criteria Version 2. Collection method: clinical testing. Allele origin: germline. Affected: yes. Observed: 1 variant allele.
Comment: FCGBP: BP4, BP7